The following is an entry in ClinVar:

NC_000019.10:g.55166647A>G

Genes: DNAAF3 (dynein axonemal assembly factor 3; minus strand), DNAAF3-AS1 (DNAAF3 antisense RNA 1; plus strand). Cytogenetic location: 19q13.42.
Variant type: single nucleotide variant.
Molecular consequence: missense variant, initiator codon variant (on NM_001256714.1).
Genome position: GRCh38 VCF-style: chr19-55166647-A-G. GRCh37 (hg19) VCF-style: chr19-55678015-A-G.
Other names: p.Met1?; c.2T>C, p.Met1Thr (NM_001256714.1, NM_178837.4); short protein forms M1T.
Identifiers: ClinVar variation 416072 (VCV000416072.26), dbSNP rs200365972, ClinGen allele CA9668334.

ClinVar aggregate classification (germline): Conflicting classifications of pathogenicity. Review status: criteria provided, conflicting classifications (1 of 4 stars). 7 submissions from 7 submitters: Uncertain significance (2); Likely benign (5). Last evaluated 2026-01-26.

Conditions:
DNAAF3-related disorder. Also called: DNAAF3-related condition.
Primary ciliary dyskinesia. Also called: Ciliary dyskinesia. Identifiers: Orphanet 244, MedGen C0008780, MONDO:0016575, HP:0012265.

Allele frequency attached by ClinVar (database versions not stated): gnomAD exomes 0.00012 and 0.00030; ExAC 0.00038; TOPMed 0.00130; 1000 Genomes Project 30x 0.00187; gnomAD 0.00126 and 0.00131; ESP Exome Variant Server 0.00122; 1000 Genomes Project 0.00140.
gnomAD v4.1: 371 of 1,613,088 alleles (0.023%); highest among the groups gnomAD compares: African/African-American, 0.37%; no homozygotes.

Submissions (7):

Labcorp Genetics (formerly Invitae), Labcorp
Classification: Likely benign for Primary ciliary dyskinesia. Last evaluated: 2026-01-26. Review status: criteria provided, single submitter. Criteria: Invitae Variant Classification Sherloc (09022015). Collection method: clinical testing. Allele origin: germline.

CeGaT Center for Human Genetics Tuebingen
Classification: Uncertain significance. Last evaluated: 2025-04-01. Review status: criteria provided, single submitter. Criteria: CeGaT Center For Human Genetics Tuebingen Variant Classification Criteria Version 2. Collection method: clinical testing. Allele origin: germline. Affected: yes. Observed: 1 variant allele.

PreventionGenetics, part of Exact Sciences
Classification: Likely benign for DNAAF3-related condition. Last evaluated: 2025-03-19. Review status: criteria provided, single submitter. Criteria: ACMG Guidelines, 2015. Collection method: clinical testing. Allele origin: germline.
Comment: This variant is classified as likely benign based on ACMG/AMP sequence variant interpretation guidelines (Richards et al. 2015 PMID: 25741868, with internal and published modifications).

Blueprint Genetics
Classification: Likely benign. Last evaluated: 2024-11-06. Review status: criteria provided, single submitter. Criteria: ACMG Guidelines, 2015. Collection method: clinical testing. Allele origin: germline.

Mayo Clinic Laboratories, Mayo Clinic
Classification: Uncertain significance. Last evaluated: 2023-05-01. Review status: criteria provided, single submitter. Criteria: ACMG Guidelines, 2015. Collection method: clinical testing. Allele origin: germline. Observed: 1 variant allele.

Ambry Genetics
Classification: Likely benign for Primary ciliary dyskinesia. Last evaluated: 2017-10-13. Review status: criteria provided, single submitter. Criteria: Ambry Variant Classification Scheme 2023. Collection method: clinical testing. Allele origin: germline.

Breakthrough Genomics
Classification: Likely benign. Review status: criteria provided, single submitter. Criteria: ACMG Guidelines, 2015. Collection method: not provided. Allele origin: germline. Inheritance: Autosomal recessive inheritance. Affected: yes.